The following is an entry in ClinVar:

NM_138694.4(PKHD1):c.11484T>G (p.Ile3828Met)

Gene: PKHD1 (PKHD1 ciliary IPT domain containing fibrocystin/polyductin; minus strand). Cytogenetic location: 6p12.3.
Variant type: single nucleotide variant.
Coding change: c.11484T>G on transcript NM_138694.4 (MANE Select); coding-DNA position 11484, T replaced by G.
Protein change: p.Ile3828Met; replaces isoleucine 3828 with methionine.
Molecular consequence: missense variant.
Genome position (GRCh38, 1-based): chr6:51,638,871, A>C on the plus strand (T>G on the coding strand, the complement: PKHD1 is on the minus strand). VCF-style: chr6-51638871-A-C. GRCh37 (hg19) VCF-style: chr6-51503669-A-C.
Other names: short protein forms I3828M.
Identifiers: ClinVar variation 3052090 (VCV003052090.2), dbSNP rs2533177811, ClinGen allele CA364421597.
Genomic context (GRCh38, chr6:51,638,871, plus strand): 5'-AAAAAAACACAGAATAAAAGCACACTGTATAAAATTACCTGGAGGAGAAGTGACAGTAAA[A>C]ATAAAGTGCCAGTTTGACCCAGAGATCAAGACTGCCAAGTTGTAGAAGCTAACATAACCA-3'
Protein context (NP_619639.3, residues 3818-3838): VLISGSNWHF[Ile3828Met]FTVTSPPGVN

ClinVar aggregate classification (germline): Uncertain significance (0 of 4 stars; one submission).

Conditions:
PKHD1-related disorder. Also called: PKHD1-related condition.

Submission:

PreventionGenetics, part of Exact Sciences
Classification: Uncertain significance for PKHD1-related condition. Last evaluated: 2024-06-06. Review status: no assertion criteria provided. Collection method: clinical testing. Allele origin: germline.
Comment: The PKHD1 c.11484T>G variant is predicted to result in the amino acid substitution p.Ile3828Met. To our knowledge, this variant has not been reported in the literature or in a large population database, indicating this variant is rare. At this time, the clinical significance of this variant is uncertain due to the absence of conclusive functional and genetic evidence.